The following is an entry in ClinVar:

ClinVar aggregate classification (germline): Uncertain significance (1 of 4 stars; one submission).

Conditions:
Hereditary cancer-predisposing syndrome. Also called: Neoplastic Syndromes, Hereditary; Tumor predisposition; Hereditary Cancer Syndrome; Hereditary neoplastic syndrome. Identifiers: Orphanet 140162, MedGen C0027672, MeSH D009386, MONDO:0015356.

Submission:

Ambry Genetics
Classification: Uncertain significance for Hereditary cancer-predisposing syndrome. Last evaluated: 2026-04-03. Review status: criteria provided, single submitter. Criteria: Ambry Variant Classification Scheme 2023. Collection method: clinical testing. Allele origin: germline.
Comment: The p.R188P variant (also known as c.563G>C), located in coding exon 3 of the MSH3 gene, results from a G to C substitution at nucleotide position 563. The arginine at codon 188 is replaced by proline, an amino acid with dissimilar properties. This amino acid position is conserved. In addition, this alteration is predicted to be tolerated by in silico analysis. Based on the available evidence, the clinical significance of this variant remains unclear.

NM_002439.5(MSH3):c.563G>C (p.Arg188Pro)

Gene: MSH3 (mutS homolog 3; plus strand). Cytogenetic location: 5q14.1.
Variant type: single nucleotide variant.
Coding change: c.563G>C on transcript NM_002439.5 (MANE Select); coding-DNA position 563, G replaced by C.
Protein change: p.Arg188Pro; replaces arginine 188 with proline.
Molecular consequence: missense variant.
Genome position (GRCh38, 1-based): chr5:80,665,347, G>C. VCF-style: chr5-80665347-G-C. GRCh37 (hg19) VCF-style: chr5-79961166-G-C.
Other names: short protein forms R188P.
Identifiers: ClinVar variation 4860326 (VCV004860326.1).
Genomic context (GRCh38, chr5:80,665,347, plus strand): 5'-ATTTTGATGATATCAGTCTTCTACACGCAAAGAATGCAGTTTCTTCTGAAGATTCGAAAC[G>C]TCAAATTAATCAAAAGGTATGTAACTGCTATAGATGAGTATCCAGTTACCTAGAATAGTG-3'
Protein context (NP_002430.3, residues 178-198): KNAVSSEDSK[Arg188Pro]QINQKDTTLF